The following is an entry in ClinVar:

NM_000257.4(MYH7):c.2128C>T (p.Pro710Ser)

Gene: MYH7 (myosin heavy chain 7; minus strand). Cytogenetic location: 14q11.2.
Variant type: single nucleotide variant.
Coding change: c.2128C>T on transcript NM_000257.4 (MANE Select); coding-DNA position 2128, C replaced by T.
Protein change: p.Pro710Ser; replaces proline 710 with serine.
Molecular consequence: missense variant.
Genome position (GRCh38, 1-based): chr14:23,425,998, G>A on the plus strand (C>T on the coding strand, the complement: MYH7 is on the minus strand). VCF-style: chr14-23425998-G-A. GRCh37 (hg19) VCF-style: chr14-23895207-G-A.
Other names: c.2128C>T, p.Pro710Ser (NM_001407004.1); short protein forms P710S.
Identifiers: ClinVar variation 2033293 (VCV002033293.4), dbSNP rs2138668839, ClinGen allele CA389049072.

ClinVar aggregate classification (germline): Likely pathogenic (1 of 4 stars; one submission).

Conditions:
Hypertrophic cardiomyopathy. Also called: HYPERTROPHIC MYOCARDIOPATHY. Identifiers: Orphanet 217569, MedGen C0007194, MeSH D002312, MONDO:0005045, HP:0001639.

Submission:

Labcorp Genetics (formerly Invitae), Labcorp
Classification: Likely pathogenic for Hypertrophic cardiomyopathy. Last evaluated: 2023-11-21. Review status: criteria provided, single submitter. Criteria: Invitae Variant Classification Sherloc (09022015). Collection method: clinical testing. Allele origin: germline.
Comment: This sequence change replaces proline, which is neutral and non-polar, with serine, which is neutral and polar, at codon 710 of the MYH7 protein (p.Pro710Ser). This variant is not present in population databases (gnomAD no frequency). This variant has not been reported in the literature in individuals affected with MYH7-related conditions. ClinVar contains an entry for this variant (Variation ID: 2033293). Advanced modeling of protein sequence and biophysical properties (such as structural, functional, and spatial information, amino acid conservation, physicochemical variation, residue mobility, and thermodynamic stability) performed at Invitae indicates that this missense variant is expected to disrupt MYH7 protein function with a positive predictive value of 95%. This variant disrupts the p.Pro710 amino acid residue in MYH7. Other variant(s) that disrupt this residue have been determined to be pathogenic (PMID: 22555271; Invitae). This suggests that this residue is clinically significant, and that variants that disrupt this residue are likely to be disease-causing. In summary, the currently available evidence indicates that the variant is pathogenic, but additional data are needed to prove that conclusively. Therefore, this variant has been classified as Likely Pathogenic.

Literature cited by the submitters: PubMed 22555271.